The following is an entry in ClinVar:

ClinVar aggregate classification (germline): Uncertain significance (1 of 4 stars; one submission).

Submission:

Labcorp Genetics (formerly Invitae), Labcorp
Classification: Uncertain significance. Last evaluated: 2025-07-29. Review status: criteria provided, single submitter. Criteria: Invitae Variant Classification Sherloc (09022015). Collection method: clinical testing. Allele origin: germline.
Comment: This sequence change replaces glutamic acid, which is acidic and polar, with glutamine, which is neutral and polar, at codon 738 of the REST protein (p.Glu738Gln). This variant is not present in population databases (gnomAD no frequency). This variant has not been reported in the literature in individuals affected with REST-related conditions. An algorithm developed to predict the effect of missense changes on protein structure and function (PolyPhen-2) suggests that this variant is likely to be tolerated. In summary, the available evidence is currently insufficient to determine the role of this variant in disease. Therefore, it has been classified as a Variant of Uncertain Significance.

NM_005612.5(REST):c.2212G>C (p.Glu738Gln)

Gene: REST (RE1 silencing transcription factor; plus strand). Cytogenetic location: 4q12.
Variant type: single nucleotide variant.
Coding change: c.2212G>C on transcript NM_005612.5 (MANE Select); coding-DNA position 2212, G replaced by C.
Protein change: p.Glu738Gln; replaces glutamic acid 738 with glutamine.
Molecular consequence: missense variant.
Genome position (GRCh38, 1-based): chr4:56,931,070, G>C. VCF-style: chr4-56931070-G-C. GRCh37 (hg19) VCF-style: chr4-57797236-G-C.
Other names: c.2212G>C, p.Glu738Gln (NM_001193508.2, NM_001363453.3); c.2128G>C, p.Glu710Gln (NM_001440532.1, NM_001440533.1); short protein forms E738Q, E710Q.
Identifiers: ClinVar variation 4707236 (VCV004707236.1).